The following is an entry in ClinVar:

NM_023110.3(FGFR1):c.-88-1138T>G

Gene: FGFR1 (fibroblast growth factor receptor 1; minus strand). Cytogenetic location: 8p11.23.
Variant type: single nucleotide variant.
Coding change: c.-88-1138T>G on transcript NM_023110.3 (MANE Select); 1138 bases into the intron before 88 bases upstream of the start codon, T replaced by G.
Molecular consequence: intron variant.
Genome position (GRCh38, 1-based): chr8:38,458,672, A>C on the plus strand (T>G on the coding strand, the complement: FGFR1 is on the minus strand). VCF-style: chr8-38458672-A-C. GRCh37 (hg19) VCF-style: chr8-38316190-A-C.
Other names: c.-88-1138T>G (NM_001354368.2, NM_001354370.2, NM_023106.3 and 8 more transcripts); c.-180-1138T>G (NM_001174064.2); c.12-1138T>G (NM_001174067.2).
Identifiers: ClinVar variation 2658554 (VCV002658554.24), dbSNP rs142092986, ClinGen allele CA175774582.
Genomic context (GRCh38, chr8:38,458,672, plus strand): 5'-AGGGGCAATGAAGAATCACGGAACAAGCTAAGGACCAGTAAATGGAAGCCAGGTACAGAG[A>C]TAACTAGTTAGTAGCTGCTGGACTCCATGCTCAACTCCCCGACCTATGCAATGAAGCAGC-3'

ClinVar aggregate classification (germline): Likely benign (1 of 4 stars; one submission).

Allele frequency attached by ClinVar (database versions not stated): 1000 Genomes Project 30x 0.00016; 1000 Genomes Project 0.00020; TOPMed 0.00046.
gnomAD v4.1: 68 of 152,346 alleles (0.045%); highest among the groups gnomAD compares: Admixed American, 0.14%; no homozygotes.

Submission:

CeGaT Center for Human Genetics Tuebingen
Classification: Likely benign. Last evaluated: 2024-02-01. Review status: criteria provided, single submitter. Criteria: CeGaT Center For Human Genetics Tuebingen Variant Classification Criteria Version 2. Collection method: clinical testing. Allele origin: germline. Affected: yes. Observed: 3 variant alleles.
Comment: FGFR1: BS1